The following is an entry in ClinVar:

NM_017649.5(CNNM2):c.2371A>T (p.Ile791Phe)

Gene: CNNM2 (cyclin and CBS domain divalent metal cation transport mediator 2; plus strand). Cytogenetic location: 10q24.32.
Variant type: single nucleotide variant.
Coding change: c.2371A>T on transcript NM_017649.5 (MANE Select); coding-DNA position 2371, A replaced by T.
Protein change: p.Ile791Phe; replaces isoleucine 791 with phenylalanine.
Molecular consequence: missense variant.
Genome position (GRCh38, 1-based): chr10:103,076,223, A>T. VCF-style: chr10-103076223-A-T. GRCh37 (hg19) VCF-style: chr10-104835980-A-T.
Other names: c.2305A>T, p.Ile769Phe (NM_199076.3); short protein forms I769F, I791F.
Identifiers: ClinVar variation 4761733 (VCV004761733.1).

ClinVar aggregate classification (germline): Uncertain significance (1 of 4 stars; one submission).

gnomAD v4.1: 2 of 1,579,644 alleles (0.00013%); highest among the groups gnomAD compares: African/African-American, 0.0027%; no homozygotes.

Submission:

Labcorp Genetics (formerly Invitae), Labcorp
Classification: Uncertain significance. Last evaluated: 2025-07-27. Review status: criteria provided, single submitter. Criteria: Invitae Variant Classification Sherloc (09022015). Collection method: clinical testing. Allele origin: germline.
Comment: This sequence change replaces isoleucine, which is neutral and non-polar, with phenylalanine, which is neutral and non-polar, at codon 791 of the CNNM2 protein (p.Ile791Phe). This variant is present in population databases (no rsID available, gnomAD 0.02%). This variant has not been reported in the literature in individuals affected with CNNM2-related conditions. Invitae Evidence Modeling of protein sequence and biophysical properties (such as structural, functional, and spatial information, amino acid conservation, physicochemical variation, residue mobility, and thermodynamic stability) has been performed for this missense variant. However, the output from this modeling did not meet the statistical confidence thresholds required to predict the impact of this variant on CNNM2 protein function. In summary, the available evidence is currently insufficient to determine the role of this variant in disease. Therefore, it has been classified as a Variant of Uncertain Significance.